The following is an entry in ClinVar:

ClinVar aggregate classification (germline): Uncertain significance (1 of 4 stars; one submission).

Submission:

GeneDx
Classification: Uncertain significance. Last evaluated: 2024-09-20. Review status: criteria provided, single submitter. Criteria: GeneDx Variant Classification Process June 2021. Collection method: clinical testing. Allele origin: germline. Affected: yes.
Comment: Not observed at significant frequency in large population cohorts (gnomAD); In silico analysis indicates that this missense variant does not alter protein structure/function; Previously reported as heterozygous in an individual with early onset Parkinson's disease; however additional clinical and family history details were not provided (PMID: 33845304); This variant is associated with the following publications: (PMID: 33845304)

NM_004562.3(PRKN):c.442G>C (p.Val148Leu)

Genes: PRKN (parkin RBR E3 ubiquitin protein ligase; minus strand), LOC126859871 (MED14-independent group 3 enhancer GRCh37_chr6:162621359-162622558; plus strand). Cytogenetic location: 6q26.
Variant type: single nucleotide variant.
Coding change: c.442G>C on transcript NM_004562.3 (MANE Select); coding-DNA position 442, G replaced by C.
Protein change: p.Val148Leu; replaces valine 148 with leucine.
Molecular consequence: missense variant. On other transcripts: intron variant (1).
Genome position (GRCh38, 1-based): chr6:162,201,223, C>G on the plus strand (G>C on the coding strand, the complement: PRKN is on the minus strand). VCF-style: chr6-162201223-C-G. GRCh37 (hg19) VCF-style: chr6-162622255-C-G.
Other names: c.442G>C, p.Val148Leu (NM_013987.3); c.172-227806G>C (NM_013988.3); short protein forms V148L.
Identifiers: ClinVar variation 3774116 (VCV003774116.1).